The following is an entry in ClinVar:

NM_139276.3(STAT3):c.764C>G (p.Pro255Arg)

Genes: STAT3 (signal transducer and activator of transcription 3; minus strand), LOC130060888 (ATAC-STARR-seq lymphoblastoid active region 12197; plus strand). Cytogenetic location: 17q21.2.
Variant type: single nucleotide variant.
Coding change: c.764C>G on transcript NM_139276.3 (MANE Select); coding-DNA position 764, C replaced by G.
Protein change: p.Pro255Arg; replaces proline 255 with arginine.
Molecular consequence: missense variant.
Genome position (GRCh38, 1-based): chr17:42,337,468, G>C on the plus strand (C>G on the coding strand, the complement: STAT3 is on the minus strand). VCF-style: chr17-42337468-G-C. GRCh37 (hg19) VCF-style: chr17-40489486-G-C.
Other names: c.764C>G, p.Pro255Arg (NM_001369512.1, NM_001369513.1, NM_001369514.1 and 15 more transcripts); c.686C>G, p.Pro229Arg (NM_001384985.1); c.668C>G, p.Pro223Arg (NM_001384989.1); short protein forms P223R, P229R, P255R.
Identifiers: ClinVar variation 3758957 (VCV003758957.2).

ClinVar aggregate classification (germline): Uncertain significance (1 of 4 stars; one submission).

Conditions:
Hyper-IgE recurrent infection syndrome 1, autosomal dominant. Also called: STAT3 Hyper IgE Syndrome; Hyper-IgE recurrent infection syndrome 1; JOB SYNDROME; Job's Syndrome; HYPER-IgE SYNDROME 1, AUTOSOMAL DOMINANT, WITH RECURRENT INFECTIONS. Identifiers: Orphanet 2314, MedGen C2936739, MONDO:0007818, OMIM 147060.
STAT3 gain of function. Identifiers: MedGen C4288261.

Submission:

Labcorp Genetics (formerly Invitae), Labcorp
Classification: Uncertain significance for STAT3 gain of function; Hyper-IgE recurrent infection syndrome 1, autosomal dominant. Last evaluated: 2025-01-13. Review status: criteria provided, single submitter. Criteria: Invitae Variant Classification Sherloc (09022015). Collection method: clinical testing. Allele origin: germline.
Comment: This sequence change replaces proline, which is neutral and non-polar, with arginine, which is basic and polar, at codon 255 of the STAT3 protein (p.Pro255Arg). This variant is not present in population databases (gnomAD no frequency). This variant has not been reported in the literature in individuals affected with STAT3-related conditions. Invitae Evidence Modeling of protein sequence and biophysical properties (such as structural, functional, and spatial information, amino acid conservation, physicochemical variation, residue mobility, and thermodynamic stability) indicates that this missense variant is expected to disrupt STAT3 protein function with a positive predictive value of 80%. In summary, the available evidence is currently insufficient to determine the role of this variant in disease. Therefore, it has been classified as a Variant of Uncertain Significance.